The following is an entry in ClinVar:

ClinVar aggregate classification (germline): Uncertain significance (1 of 4 stars; one submission).

Conditions:
Arrhythmogenic right ventricular dysplasia 9 (ARVD9). Also called: Arrhythmogenic Right Ventricular Dysplasia/Cardiomyopathy 9; ARRHYTHMOGENIC RIGHT VENTRICULAR DYSPLASIA, FAMILIAL, 9. Identifiers: MedGen C1836906, MONDO:0012180, OMIM 609040.

gnomAD v4.1: 1 of 1,611,274 alleles (0.000062%); highest among the groups gnomAD compares: Non-Finnish European, 0.000085%; no homozygotes.

Submission:

Labcorp Genetics (formerly Invitae), Labcorp
Classification: Uncertain significance for Arrhythmogenic right ventricular dysplasia 9. Last evaluated: 2024-07-21. Review status: criteria provided, single submitter. Criteria: Invitae Variant Classification Sherloc (09022015). Collection method: clinical testing. Allele origin: germline.
Comment: This sequence change falls in intron 7 of the PKP2 gene. It does not directly change the encoded amino acid sequence of the PKP2 protein. It affects a nucleotide within the consensus splice site. This variant is not present in population databases (gnomAD no frequency). This variant has not been reported in the literature in individuals affected with PKP2-related conditions. Variants that disrupt the consensus splice site are a relatively common cause of aberrant splicing (PMID: 17576681, 9536098). Algorithms developed to predict the effect of sequence changes on RNA splicing suggest that this variant is not likely to affect RNA splicing. In summary, the available evidence is currently insufficient to determine the role of this variant in disease. Therefore, it has been classified as a Variant of Uncertain Significance.

Literature cited by the submitters: PubMed 17576681; PubMed 9536098.

NM_001005242.3(PKP2):c.1556+5T>C

Gene: PKP2 (plakophilin 2; minus strand). Cytogenetic location: 12p11.21.
Variant type: single nucleotide variant.
Coding change: c.1556+5T>C on transcript NM_001005242.3 (MANE Select); 5 bases into the intron after coding-DNA position 1556, T replaced by C.
Molecular consequence: intron variant.
Genome position (GRCh38, 1-based): chr12:32,841,023, A>G on the plus strand (T>C on the coding strand, the complement: PKP2 is on the minus strand). VCF-style: chr12-32841023-A-G. GRCh37 (hg19) VCF-style: chr12-32993957-A-G.
Other names: c.1556+5T>C (NM_001407156.1, NM_001407155.1, NM_001407161.1); c.1688+5T>C (NM_004572.4, NM_001407157.1); c.1229+5T>C (NM_001407160.1, NM_001407159.1, NM_001407158.1 and 1 more transcripts).
Identifiers: ClinVar variation 3707156 (VCV003707156.2).